The following is an entry in ClinVar:

NM_000138.5(FBN1):c.3542C>T (p.Ala1181Val)

Gene: FBN1 (fibrillin 1; minus strand). Cytogenetic location: 15q21.1.
Variant type: single nucleotide variant.
Coding change: c.3542C>T on transcript NM_000138.5 (MANE Select); coding-DNA position 3542, C replaced by T.
Protein change: p.Ala1181Val; replaces alanine 1181 with valine.
Molecular consequence: missense variant.
Genome position (GRCh38, 1-based): chr15:48,487,122, G>A on the plus strand (C>T on the coding strand, the complement: FBN1 is on the minus strand). VCF-style: chr15-48487122-G-A. GRCh37 (hg19) VCF-style: chr15-48779319-G-A.
Other names: c.3542C>T, p.Ala1181Val (NM_001406716.1); short protein forms A1181V.
Identifiers: ClinVar variation 3073606 (VCV003073606.1), dbSNP rs748716804, ClinGen allele CA051064.

ClinVar aggregate classification (germline): Uncertain significance (1 of 4 stars; one submission).

Conditions:
Marfan syndrome (MFS). Also called: MARFAN SYNDROME, TYPE I; Marfan syndrome type 1; Marfan's syndrome; Marfan syndrome, classic; FBN1-Related Marfan Syndrome. Identifiers: Orphanet 284963, Orphanet 558, MedGen C0024796, MONDO:0007947, OMIM 154700.

Allele frequency attached by ClinVar (database versions not stated): ExAC 0.00001; gnomAD exomes below 0.00001.
gnomAD v4.1: 1 of 1,614,072 alleles (0.000062%); highest among the groups gnomAD compares: Admixed American, 0.0017%; no homozygotes.

Submission:

All of Us Research Program, National Institutes of Health
Classification: Uncertain significance for Marfan syndrome. Last evaluated: 2023-10-02. Review status: criteria provided, single submitter. Criteria: ACMG Guidelines, 2015. Collection method: clinical testing. Allele origin: germline. Inheritance: Autosomal dominant inheritance. Observed: 1 variant allele, 1 heterozygote.
Comment: This missense variant replaces alanine with valine at codon 1181 of the FBN1 protein. Computational prediction suggests that this variant may not impact protein structure and function (internally defined REVEL score threshold <= 0.5, PMID: 27666373). To our knowledge, functional studies have not been reported for this variant. This variant has not been reported in individuals affected with FBN1-related disorders in the literature. This variant has been identified in 1/251436 chromosomes in the general population by the Genome Aggregation Database (gnomAD). The available evidence is insufficient to determine the role of this variant in disease conclusively. Therefore, this variant is classified as a Variant of Uncertain Significance.

This study involves interpretation of variants in research participants for the purpose of population health screening. Participant phenotype was not available at the time of variant classification. Additional details can be found in publication PMID: 35346344, PMCID: PMC8962531